The following is an entry in ClinVar:

NM_017534.6(MYH2):c.4205G>A (p.Arg1402Gln)

Genes: MYHAS (myosin heavy chain gene cluster antisense RNA; plus strand), MYH2 (myosin heavy chain 2; minus strand). Cytogenetic location: 17p13.1.
Variant type: single nucleotide variant.
Coding change: c.4205G>A on transcript NM_017534.6 (MANE Select); coding-DNA position 4205, G replaced by A.
Protein change: p.Arg1402Gln; replaces arginine 1402 with glutamine.
Molecular consequence: missense variant.
Genome position (GRCh38, 1-based): chr17:10,525,859, C>T on the plus strand (G>A on the coding strand, the complement: MYH2 is on the minus strand). VCF-style: chr17-10525859-C-T. GRCh37 (hg19) VCF-style: chr17-10429176-C-T.
Other names: c.4205G>A, p.Arg1402Gln (NM_001100112.2); short protein forms R1402Q.
Identifiers: ClinVar variation 659987 (VCV000659987.13), dbSNP rs781252325, ClinGen allele CA8390690.

ClinVar aggregate classification (germline): Uncertain significance. Review status: criteria provided, multiple submitters, no conflicts (2 of 4 stars). 4 submissions from 4 submitters: Uncertain significance (4). Last evaluated 2025-08-25.

Conditions:
Inborn genetic diseases. Identifiers: MedGen C0950123, MeSH D030342.
Myopathy, proximal, and ophthalmoplegia (CMYO6). Also called: MYOPATHY WITH CONGENITAL JOINT CONTRACTURES, OPHTHALMOPLEGIA, AND RIMMED VACUOLES; INCLUSION BODY MYOPATHY 3, AUTOSOMAL DOMINANT; CONGENITAL MYOPATHY 6 WITH OPHTHALMOPLEGIA. Identifiers: Orphanet 363677, Orphanet 79091, MedGen C1854106, MONDO:0011577, OMIM 605637.

Allele frequency attached by ClinVar (database versions not stated): TOPMed 0.00001; ExAC 0.00002; gnomAD 0.00002; gnomAD exomes 0.00002.
gnomAD v4.1: 80 of 1,614,038 alleles (0.005%); highest among the groups gnomAD compares: Non-Finnish European, 0.0057%; no homozygotes.

Submissions (4):

Ambry Genetics
Classification: Uncertain significance for Inborn genetic diseases. Last evaluated: 2025-08-25. Review status: criteria provided, single submitter. Criteria: Ambry Variant Classification Scheme 2023. Collection method: clinical testing. Allele origin: germline.

Labcorp Genetics (formerly Invitae), Labcorp
Classification: Uncertain significance for Myopathy, proximal, and ophthalmoplegia. Last evaluated: 2025-05-27. Review status: criteria provided, single submitter. Criteria: Invitae Variant Classification Sherloc (09022015). Collection method: clinical testing. Allele origin: germline.
Comment: This sequence change replaces arginine, which is basic and polar, with glutamine, which is neutral and polar, at codon 1402 of the MYH2 protein (p.Arg1402Gln). This variant is present in population databases (rs781252325, gnomAD 0.008%). This variant has not been reported in the literature in individuals affected with MYH2-related conditions. ClinVar contains an entry for this variant (Variation ID: 659987). Invitae Evidence Modeling of protein sequence and biophysical properties (such as structural, functional, and spatial information, amino acid conservation, physicochemical variation, residue mobility, and thermodynamic stability) indicates that this missense variant is not expected to disrupt MYH2 protein function with a negative predictive value of 80%. In summary, the available evidence is currently insufficient to determine the role of this variant in disease. Therefore, it has been classified as a Variant of Uncertain Significance.

Revvity Omics, Revvity
Classification: Uncertain significance for Myopathy, proximal, and ophthalmoplegia. Last evaluated: 2025-05-22. Review status: criteria provided, single submitter. Criteria: ACMG Guidelines, 2015. Collection method: clinical testing. Allele origin: germline.

Illumina Laboratory Services, Illumina
Classification: Uncertain significance for Myopathy, proximal, and ophthalmoplegia. Last evaluated: 2018-01-13. Review status: criteria provided, single submitter. Criteria: ICSL Variant Classification Criteria 13 December 2019. Collection method: clinical testing. Allele origin: germline.